The following is an entry in ClinVar:

ClinVar aggregate classification (germline): Uncertain significance (1 of 4 stars; one submission).

gnomAD v4.1: 22 of 1,612,296 alleles (0.0014%); highest among the groups gnomAD compares: East Asian, 0.022%; no homozygotes.

Submission:

Labcorp Genetics (formerly Invitae), Labcorp
Classification: Uncertain significance. Last evaluated: 2026-01-25. Review status: criteria provided, single submitter. Criteria: Invitae Variant Classification Sherloc (09022015). Collection method: clinical testing. Allele origin: germline.
Comment: This sequence change replaces arginine, which is basic and polar, with tryptophan, which is neutral and slightly polar, at codon 1386 of the MYH7B protein (p.Arg1386Trp). The frequency data for this variant in the population databases is considered unreliable, as metrics indicate poor data quality at this position in the gnomAD database. This variant has not been reported in the literature in individuals affected with MYH7B-related conditions. Invitae Evidence Modeling of protein sequence and biophysical properties (such as structural, functional, and spatial information, amino acid conservation, physicochemical variation, residue mobility, and thermodynamic stability) indicates that this missense variant is expected to disrupt MYH7B protein function with a positive predictive value of 80%. In summary, the available evidence is currently insufficient to determine the role of this variant in disease. Therefore, it has been classified as a Variant of Uncertain Significance.

NM_020884.7(MYH7B):c.4030C>T (p.Arg1344Trp)

Gene: MYH7B (myosin heavy chain 7B; plus strand). Cytogenetic location: 20q11.22.
Variant type: single nucleotide variant.
Coding change: c.4030C>T on transcript NM_020884.7 (MANE Select); coding-DNA position 4030, C replaced by T.
Protein change: p.Arg1344Trp; replaces arginine 1344 with tryptophan.
Molecular consequence: missense variant.
Genome position (GRCh38, 1-based): chr20:34,998,755, C>T. VCF-style: chr20-34998755-C-T. GRCh37 (hg19) VCF-style: chr20-33586558-C-T.
Other names: short protein forms R1344W.
Identifiers: ClinVar variation 4779291 (VCV004779291.1).
Genomic context (GRCh38, chr20:34,998,755, plus strand): 5'-CTGAGGTCACTGGTGTCCCTGCAGGCCAAGAGTGCCCTGGCCCACGCCGTGCAGGCTCTG[C>T]GGCACGACTGTGACCTCCTGCGGGAGCAACACGAGGAGGAGGCTGAGGCCCAGGCTGAGC-3'
Protein context (NP_065935.4, residues 1334-1354): SALAHAVQAL[Arg1344Trp]HDCDLLREQH